The following is an entry in ClinVar:

NM_000642.3(AGL):c.293+3A>G

Gene: AGL (amylo-alpha-1,6-glucosidase and 4-alpha-glucanotransferase; plus strand). Cytogenetic location: 1p21.2.
Variant type: single nucleotide variant.
Coding change: c.293+3A>G on transcript NM_000642.3 (MANE Select); 3 bases into the intron after coding-DNA position 293, A replaced by G.
Molecular consequence: intron variant.
Genome position (GRCh38, 1-based): chr1:99,861,716, A>G. VCF-style: chr1-99861716-A-G. GRCh37 (hg19) VCF-style: chr1-100327272-A-G.
Other names: c.293+3A>G (NM_000643.3, NM_000644.3, NM_001425326.1 and 5 more transcripts); c.245+3A>G (NM_000646.3); c.83-2670A>G (NM_001425332.1).
Identifiers: ClinVar variation 515018 (VCV000515018.10), dbSNP rs375459662, ClinGen allele CA966104.

ClinVar aggregate classification (germline): Conflicting classifications of pathogenicity. Review status: criteria provided, conflicting classifications (1 of 4 stars). 5 submissions from 5 submitters: Uncertain significance (2); Likely benign (3). Last evaluated 2024-11-04.

Conditions:
Inborn genetic diseases. Identifiers: MedGen C0950123, MeSH D030342.
Glycogen storage disease type III (GSD3). Also called: FORBES DISEASE; Cori disease. Identifiers: Orphanet 366, MedGen C0017922, MONDO:0009291, OMIM 232400.

Allele frequency attached by ClinVar (database versions not stated): gnomAD 0.00005 and 0.00006; TOPMed 0.00005; ExAC 0.00007; gnomAD exomes 0.00007 and 0.00015; ESP Exome Variant Server 0.00015.
gnomAD v4.1: 228 of 1,613,324 alleles (0.014%); highest among the groups gnomAD compares: Non-Finnish European, 0.018%; no homozygotes.

Submissions (5):

Ambry Genetics
Classification: Uncertain significance for Inborn genetic diseases. Last evaluated: 2024-11-04. Review status: criteria provided, single submitter. Criteria: Ambry Variant Classification Scheme 2023. Collection method: clinical testing. Allele origin: germline.
Comment: The c.293+3A>G intronic alteration consists of a A to G substitution nucleotides after coding exon 2 in the AGL gene. Based on insufficient or conflicting evidence, the clinical significance of this alteration remains unclear.

Labcorp Genetics (formerly Invitae), Labcorp
Classification: Uncertain significance for Glycogen storage disease type III. Last evaluated: 2022-08-09. Review status: criteria provided, single submitter. Criteria: Invitae Variant Classification Sherloc (09022015). Collection method: clinical testing. Allele origin: germline.
Comment: This sequence change falls in intron 3 of the AGL gene. It does not directly change the encoded amino acid sequence of the AGL protein. It affects a nucleotide within the consensus splice site. This variant is present in population databases (rs375459662, gnomAD 0.01%). This variant has not been reported in the literature in individuals affected with AGL-related conditions. ClinVar contains an entry for this variant (Variation ID: 515018). Variants that disrupt the consensus splice site are a relatively common cause of aberrant splicing (PMID: 17576681, 9536098). Algorithms developed to predict the effect of sequence changes on RNA splicing suggest that this variant is not likely to affect RNA splicing. In summary, the available evidence is currently insufficient to determine the role of this variant in disease. Therefore, it has been classified as a Variant of Uncertain Significance.

Genome-Nilou Lab
Classification: Likely benign for Glycogen storage disease type III. Last evaluated: 2021-07-15. Review status: criteria provided, single submitter. Criteria: ACMG Guidelines, 2015. Collection method: clinical testing. Allele origin: germline. Affected: no.

Blueprint Genetics
Classification: Likely benign. Last evaluated: 2020-11-20. Review status: criteria provided, single submitter. Criteria: ACMG Guidelines, 2015. Collection method: clinical testing. Allele origin: germline.

GeneDx
Classification: Likely benign. Last evaluated: 2018-01-25. Review status: criteria provided, single submitter. Criteria: GeneDx Variant Classification (06012015). Collection method: clinical testing. Allele origin: germline. Affected: yes.
Comment: This variant is considered likely benign or benign based on one or more of the following criteria: it is a conservative change, it occurs at a poorly conserved position in the protein, it is predicted to be benign by multiple in silico algorithms, and/or has population frequency not consistent with disease.

Literature cited by the submitters: PubMed 17576681 (cited by Labcorp Genetics (formerly Invitae), Labcorp); PubMed 9536098 (cited by Labcorp Genetics (formerly Invitae), Labcorp).